The following is an entry in ClinVar:

ClinVar aggregate classification (germline): Uncertain significance (1 of 4 stars; one submission).

Conditions:
Catecholaminergic polymorphic ventricular tachycardia 1. Also called: VENTRICULAR TACHYCARDIA, STRESS-INDUCED POLYMORPHIC 1; VENTRICULAR TACHYCARDIA, CATECHOLAMINERGIC POLYMORPHIC, 1, WITH OR WITHOUT ATRIAL DYSFUNCTION AND/OR DILATED CARDIOMYOPATHY; RYR2-Related Catecholaminergic Polymorphic Ventricular Tachycardia. Identifiers: Orphanet 3286, MedGen C1631597, MONDO:0011484, OMIM 604772.

Allele frequency attached by ClinVar (database versions not stated): gnomAD exomes 0.00001.
gnomAD v4.1: 8 of 1,431,872 alleles (0.00056%); highest among the groups gnomAD compares: South Asian, 0.007%; no homozygotes.

Submission:

Labcorp Genetics (formerly Invitae), Labcorp
Classification: Uncertain significance for Catecholaminergic polymorphic ventricular tachycardia 1. Last evaluated: 2022-08-21. Review status: criteria provided, single submitter. Criteria: Invitae Variant Classification Sherloc (09022015). Collection method: clinical testing. Allele origin: germline.
Comment: In summary, the available evidence is currently insufficient to determine the role of this variant in disease. Therefore, it has been classified as a Variant of Uncertain Significance. Algorithms developed to predict the effect of missense changes on protein structure and function output the following: SIFT: "Tolerated"; PolyPhen-2: "Benign"; Align-GVGD: "Class C0". The valine amino acid residue is found in multiple mammalian species, which suggests that this missense change does not adversely affect protein function. This variant has not been reported in the literature in individuals affected with TRDN-related conditions. This variant is not present in population databases (gnomAD no frequency). This sequence change replaces isoleucine, which is neutral and non-polar, with valine, which is neutral and non-polar, at codon 469 of the TRDN protein (p.Ile469Val).

NM_006073.4(TRDN):c.1405A>G (p.Ile469Val)

Gene: TRDN (triadin; minus strand). Cytogenetic location: 6q22.31.
Variant type: single nucleotide variant.
Coding change: c.1405A>G on transcript NM_006073.4 (MANE Select); coding-DNA position 1405, A replaced by G.
Protein change: p.Ile469Val; replaces isoleucine 469 with valine.
Molecular consequence: missense variant.
Genome position (GRCh38, 1-based): chr6:123,337,634, T>C on the plus strand (A>G on the coding strand, the complement: TRDN is on the minus strand). VCF-style: chr6-123337634-T-C. GRCh37 (hg19) VCF-style: chr6-123658779-T-C.
Other names: short protein forms I469V.
Identifiers: ClinVar variation 2184004 (VCV002184004.4), dbSNP rs1327391241, ClinGen allele CA365564803.